The following is an entry in ClinVar:

NM_005876.5(SPEG):c.1457C>G (p.Pro486Arg)

Gene: SPEG (striated muscle enriched protein kinase; plus strand). Cytogenetic location: 2q35.
Variant type: single nucleotide variant.
Coding change: c.1457C>G on transcript NM_005876.5 (MANE Select); coding-DNA position 1457, C replaced by G.
Protein change: p.Pro486Arg; replaces proline 486 with arginine.
Molecular consequence: missense variant.
Genome position (GRCh38, 1-based): chr2:219,448,615, C>G. VCF-style: chr2-219448615-C-G. GRCh37 (hg19) VCF-style: chr2-220313337-C-G.
Other names: short protein forms P486R.
Identifiers: ClinVar variation 2715583 (VCV002715583.3), dbSNP rs967635135, ClinGen allele CA66004576.

ClinVar aggregate classification (germline): Uncertain significance (1 of 4 stars; one submission).

Allele frequency attached by ClinVar (database versions not stated): gnomAD 0.00001.
gnomAD v4.1: 11 of 1,475,968 alleles (0.00075%); highest among the groups gnomAD compares: East Asian, 0.0058%; no homozygotes.

Submission:

Labcorp Genetics (formerly Invitae), Labcorp
Classification: Uncertain significance. Last evaluated: 2023-12-21. Review status: criteria provided, single submitter. Criteria: Invitae Variant Classification Sherloc (09022015). Collection method: clinical testing. Allele origin: germline.
Comment: This sequence change replaces proline, which is neutral and non-polar, with arginine, which is basic and polar, at codon 486 of the SPEG protein (p.Pro486Arg). This variant is present in population databases (no rsID available, gnomAD 0.02%). This variant has not been reported in the literature in individuals affected with SPEG-related conditions. Advanced modeling of protein sequence and biophysical properties (such as structural, functional, and spatial information, amino acid conservation, physicochemical variation, residue mobility, and thermodynamic stability) performed at Invitae indicates that this missense variant is expected to disrupt SPEG protein function with a positive predictive value of 95%. In summary, the available evidence is currently insufficient to determine the role of this variant in disease. Therefore, it has been classified as a Variant of Uncertain Significance.